The following is an entry in ClinVar:

NM_001377265.1(MAPT):c.2404A>C (p.Asn802His)

Gene: MAPT (microtubule associated protein tau). Cytogenetic location: 17q21.31.
Variant type: single nucleotide variant.
Coding change: c.2404A>C on transcript NM_001377265.1 (MANE Select); coding-DNA position 2404, A replaced by C.
Protein change: p.Asn802His; replaces asparagine 802 with histidine.
Molecular consequence: missense variant. On other transcripts: non-coding transcript variant (1), intron variant (1).
Genome position (GRCh38, 1-based): chr17:46,024,073, A>C. VCF-style: chr17-46024073-A-C. GRCh37 (hg19) VCF-style: chr17-44101439-A-C.
Other names: c.2233A>C, p.Asn745His (NM_001123066.4); c.1141A>C, p.Asn381His (NM_001123067.4); c.1048A>C, p.Asn350His (NM_001203251.2); c.1135A>C, p.Asn379His (NM_001203252.2); c.2113A>C, p.Asn705His (NM_001377266.1); c.961A>C, p.Asn321His (NM_001377268.1, NM_016841.5); c.1228A>C, p.Asn410His (NM_005910.6); c.1054A>C, p.Asn352His (NM_016834.5); and 2 more; short protein forms N321H, N350H, N352H, N379H, N381H, N410H, N705H, N727H.
Identifiers: ClinVar variation 2672699 (VCV002672699.26), dbSNP rs777148159, ClinGen allele CA8618263.

ClinVar aggregate classification (germline): Uncertain significance. Review status: criteria provided, multiple submitters, no conflicts (2 of 4 stars). 2 submissions from 2 submitters: Uncertain significance (2). Last evaluated 2023-11-01.

Conditions:
Frontotemporal dementia (FTD1). Also called: Dementia, frontotemporal, with or without parkinsonism; FRONTOTEMPORAL DEMENTIA WITH PARKINSONISM; FRONTOTEMPORAL LOBE DEMENTIA; MULTIPLE SYSTEM TAUOPATHY WITH PRESENILE DEMENTIA; WILHELMSEN-LYNCH DISEASE; Frontotemporal lobe dementia (FLDEM). Identifiers: Orphanet 282, MedGen C0338451, MONDO:0017276, OMIM 600274, HP:0002145.

Allele frequency attached by ClinVar (database versions not stated): TOPMed below 0.00001; ExAC 0.00001; gnomAD exomes 0.00001.
gnomAD v4.1: 13 of 1,614,144 alleles (0.00081%); highest among the groups gnomAD compares: Non-Finnish European, 0.001%; no homozygotes.

Submissions (2):

CeGaT Center for Human Genetics Tuebingen
Classification: Uncertain significance. Last evaluated: 2023-11-01. Review status: criteria provided, single submitter. Criteria: CeGaT Center For Human Genetics Tuebingen Variant Classification Criteria Version 2. Collection method: clinical testing. Allele origin: germline. Affected: yes. Observed: 1 variant allele.
Comment: MAPT: PM2:Supporting, PS4:Supporting, BP4

Labcorp Genetics (formerly Invitae), Labcorp
Classification: Uncertain significance for Frontotemporal dementia. Last evaluated: 2023-08-28. Review status: criteria provided, single submitter. Criteria: Invitae Variant Classification Sherloc (09022015). Collection method: clinical testing. Allele origin: germline.
Comment: Experimental studies have shown that this missense change affects MAPT function (PMID: 24121548, 27641626). In summary, the available evidence is currently insufficient to determine the role of this variant in disease. Therefore, it has been classified as a Variant of Uncertain Significance. Advanced modeling of protein sequence and biophysical properties (such as structural, functional, and spatial information, amino acid conservation, physicochemical variation, residue mobility, and thermodynamic stability) performed at Invitae indicates that this missense variant is not expected to disrupt MAPT protein function. This missense change has been observed in individuals with clinical features of frontotemporal dementia (PMID: 24121548, 29253099). This variant is present in population databases (rs777148159, gnomAD 0.003%). This sequence change replaces asparagine, which is neutral and polar, with histidine, which is basic and polar, at codon 410 of the MAPT protein (p.Asn410His).

Literature cited by the submitters: PubMed 24121548 (cited by Labcorp Genetics (formerly Invitae), Labcorp); PubMed 27641626 (cited by Labcorp Genetics (formerly Invitae), Labcorp); PubMed 29253099 (cited by Labcorp Genetics (formerly Invitae), Labcorp).